The following is an entry in ClinVar:

ClinVar aggregate classification (germline): Uncertain significance (1 of 4 stars; one submission).

Conditions:
Bethlem myopathy 1A. Also called: MYOPATHY, BENIGN CONGENITAL, WITH CONTRACTURES; Bethlem myopathy 1; Bethlem Muscular Dystrophy. Identifiers: Orphanet 610, MedGen CN029274, MONDO:0024530, OMIM 158810.

Submission:

Labcorp Genetics (formerly Invitae), Labcorp
Classification: Uncertain significance for Bethlem myopathy 1A. Last evaluated: 2022-08-23. Review status: criteria provided, single submitter. Criteria: Invitae Variant Classification Sherloc (09022015). Collection method: clinical testing. Allele origin: germline.
Comment: ClinVar contains an entry for this variant (Variation ID: 859207). This variant has not been reported in the literature in individuals affected with COL6A1-related conditions. This variant is not present in population databases (gnomAD no frequency). This sequence change replaces phenylalanine, which is neutral and non-polar, with leucine, which is neutral and non-polar, at codon 524 of the COL6A1 protein (p.Phe524Leu). Advanced modeling of protein sequence and biophysical properties (such as structural, functional, and spatial information, amino acid conservation, physicochemical variation, residue mobility, and thermodynamic stability) performed at Invitae indicates that this missense variant is not expected to disrupt COL6A1 protein function. In summary, the available evidence is currently insufficient to determine the role of this variant in disease. Therefore, it has been classified as a Variant of Uncertain Significance.

NM_001848.3(COL6A1):c.1570T>C (p.Phe524Leu)

Gene: COL6A1 (collagen type VI alpha 1 chain; plus strand). Cytogenetic location: 21q22.3.
Variant type: single nucleotide variant.
Coding change: c.1570T>C on transcript NM_001848.3 (MANE Select); coding-DNA position 1570, T replaced by C.
Protein change: p.Phe524Leu; replaces phenylalanine 524 with leucine.
Molecular consequence: missense variant.
Genome position (GRCh38, 1-based): chr21:45,998,166, T>C. VCF-style: chr21-45998166-T-C. GRCh37 (hg19) VCF-style: chr21-47418080-T-C.
Other names: short protein forms F524L.
Identifiers: ClinVar variation 859207 (VCV000859207.8), dbSNP rs2077817452, ClinGen allele CA410530088.
Genomic context (GRCh38, chr21:45,998,166, plus strand): 5'-ACTCTGCTCCCCCAGGGAGAAGACGGCCCCGCTGGAAATGGCACCGAGGGCTTCCCCGGC[T>C]TCCCCGTAAGTGTCCGGAGGCTGAGCCCACAGGAACATGCCCAAGCTGCCTGCGGCGCCC-3'
Protein context (NP_001839.2, residues 514-534): AGNGTEGFPG[Phe524Leu]PGYPGNRGAP